The following is an entry in ClinVar:

NM_000395.3(CSF2RB):c.2195C>T (p.Pro732Leu)

Gene: CSF2RB (colony stimulating factor 2 receptor subunit beta; plus strand). Cytogenetic location: 22q12.3.
Variant type: single nucleotide variant.
Coding change: c.2195C>T on transcript NM_000395.3 (MANE Select); coding-DNA position 2195, C replaced by T.
Protein change: p.Pro732Leu; replaces proline 732 with leucine.
Molecular consequence: missense variant.
Genome position (GRCh38, 1-based): chr22:36,938,003, C>T. VCF-style: chr22-36938003-C-T. GRCh37 (hg19) VCF-style: chr22-37334045-C-T.
Other names: c.2213C>T, p.Pro738Leu (NM_001410827.1); short protein forms P738L, P732L.
Identifiers: ClinVar variation 1932783 (VCV001932783.6), dbSNP rs373628381, ClinGen allele CA10214060.

ClinVar aggregate classification (germline): Uncertain significance. Review status: criteria provided, multiple submitters, no conflicts (2 of 4 stars). 2 submissions from 2 submitters: Uncertain significance (2). Last evaluated 2025-10-13.

Conditions:
Inborn genetic diseases. Identifiers: MedGen C0950123, MeSH D030342.

Allele frequency attached by ClinVar (database versions not stated): ExAC 0.00003; gnomAD 0.00003; TOPMed 0.00003; ESP Exome Variant Server 0.00008.
gnomAD v4.1: 11 of 1,614,042 alleles (0.00068%); highest among the groups gnomAD compares: African/African-American, 0.011%; no homozygotes.

Submissions (2):

Labcorp Genetics (formerly Invitae), Labcorp
Classification: Uncertain significance. Last evaluated: 2025-10-13. Review status: criteria provided, single submitter. Criteria: Invitae Variant Classification Sherloc (09022015). Collection method: clinical testing. Allele origin: germline.
Comment: This sequence change replaces proline, which is neutral and non-polar, with leucine, which is neutral and non-polar, at codon 732 of the CSF2RB protein (p.Pro732Leu). This variant is present in population databases (rs373628381, gnomAD 0.02%). This variant has not been reported in the literature in individuals affected with CSF2RB-related conditions. ClinVar contains an entry for this variant (Variation ID: 1932783). Invitae Evidence Modeling of protein sequence and biophysical properties (such as structural, functional, and spatial information, amino acid conservation, physicochemical variation, residue mobility, and thermodynamic stability) indicates that this missense variant is not expected to disrupt CSF2RB protein function with a negative predictive value of 80%. In summary, the available evidence is currently insufficient to determine the role of this variant in disease. Therefore, it has been classified as a Variant of Uncertain Significance.

Ambry Genetics
Classification: Uncertain significance for Inborn genetic diseases. Last evaluated: 2021-08-12. Review status: criteria provided, single submitter. Criteria: Ambry Variant Classification Scheme 2023. Collection method: clinical testing. Allele origin: germline.